The following is an entry in ClinVar:

NM_014946.4(SPAST):c.1445T>C (p.Val482Ala)

Gene: SPAST (spastin; plus strand). Cytogenetic location: 2p22.3.
Variant type: single nucleotide variant.
Coding change: c.1445T>C on transcript NM_014946.4 (MANE Select); coding-DNA position 1445, T replaced by C.
Protein change: p.Val482Ala; replaces valine 482 with alanine.
Molecular consequence: missense variant.
Genome position (GRCh38, 1-based): chr2:32,137,140, T>C. VCF-style: chr2-32137140-T-C. GRCh37 (hg19) VCF-style: chr2-32362209-T-C.
Other names: c.1442T>C, p.Val481Ala (NM_001363823.2); c.1346T>C, p.Val449Ala (NM_001363875.2); c.1349T>C, p.Val450Ala (NM_001377959.1, NM_199436.2); c.1445T>C (NM_014946.3); short protein forms V449A, V450A, V481A, V482A.
Identifiers: ClinVar variation 1523222 (VCV001523222.9), dbSNP rs1417318347, ClinGen allele CA346502445.

ClinVar aggregate classification (germline): Uncertain significance. Review status: criteria provided, multiple submitters, no conflicts (2 of 4 stars). 2 submissions from 2 submitters: Uncertain significance (2). Last evaluated 2023-01-27.

Conditions:
Hereditary spastic paraplegia 4. Also called: Familial spastic paraplegia autosomal dominant 2; Spastic paraplegia 4, autosomal dominant; Spastic Paraplegia 4. Identifiers: Orphanet 100985, MedGen C1866855, MONDO:0008438, OMIM 182601.

Allele frequency attached by ClinVar (database versions not stated): gnomAD exomes below 0.00001.
gnomAD v4.1: 1 of 1,614,040 alleles (0.000062%); highest among the groups gnomAD compares: Admixed American, 0.0017%; no homozygotes.

Submissions (2):

Athena Diagnostics
Classification: Uncertain significance. Last evaluated: 2023-01-27. Review status: criteria provided, single submitter. Criteria: Athena Diagnostics Criteria. Collection method: clinical testing. Allele origin: unknown.
Comment: Available data are insufficient to determine the clinical significance of the variant at this time. The frequency of this variant in the general population is uninformative in assessment of its pathogenicity. The variant is located in a region that is considered important for protein function and/or structure. Computational tools predict that this variant is damaging.

Labcorp Genetics (formerly Invitae), Labcorp
Classification: Uncertain significance for Hereditary spastic paraplegia 4. Last evaluated: 2022-12-06. Review status: criteria provided, single submitter. Criteria: Invitae Variant Classification Sherloc (09022015). Collection method: clinical testing. Allele origin: germline.
Comment: In summary, the available evidence is currently insufficient to determine the role of this variant in disease. Therefore, it has been classified as a Variant of Uncertain Significance. Advanced modeling of protein sequence and biophysical properties (such as structural, functional, and spatial information, amino acid conservation, physicochemical variation, residue mobility, and thermodynamic stability) performed at Invitae indicates that this missense variant is expected to disrupt SPAST protein function. ClinVar contains an entry for this variant (Variation ID: 1523222). This variant has not been reported in the literature in individuals affected with SPAST-related conditions. This variant is present in population databases (no rsID available, gnomAD 0.003%). This sequence change replaces valine, which is neutral and non-polar, with alanine, which is neutral and non-polar, at codon 482 of the SPAST protein (p.Val482Ala).